The following is an entry in ClinVar:

NM_001367624.2(ZNF469):c.4330G>T (p.Ala1444Ser)

Gene: ZNF469 (zinc finger protein 469; plus strand). Cytogenetic location: 16q24.2.
Variant type: single nucleotide variant.
Coding change: c.4330G>T on transcript NM_001367624.2 (MANE Select); coding-DNA position 4330, G replaced by T.
Protein change: p.Ala1444Ser; replaces alanine 1444 with serine.
Molecular consequence: missense variant.
Genome position (GRCh38, 1-based): chr16:88,431,800, G>T. VCF-style: chr16-88431800-G-T. GRCh37 (hg19) VCF-style: chr16-88498208-G-T.
Other names: NM_001127464.1:c.4246G>T; short protein forms A1444S.
Identifiers: ClinVar variation 3476225 (VCV003476225.1).

ClinVar aggregate classification (germline): Uncertain significance (1 of 4 stars; one submission).

Conditions:
Cardiovascular phenotype. Identifiers: MedGen CN230736.

Submission:

Ambry Genetics
Classification: Uncertain significance for Cardiovascular phenotype. Last evaluated: 2024-09-30. Review status: criteria provided, single submitter. Criteria: Ambry Variant Classification Scheme 2023. Collection method: clinical testing. Allele origin: germline.
Comment: The p.A1416S variant (also known as c.4246G>T), located in coding exon 2 of the ZNF469 gene, results from a G to T substitution at nucleotide position 4246. The alanine at codon 1416 is replaced by serine, an amino acid with similar properties. This amino acid position is conserved. In addition, this alteration is predicted to be tolerated by in silico analysis. Based on the available evidence, the clinical significance of this variant remains unclear.